The following is an entry in ClinVar:

NC_000011.9:g.(?_72145398)_(72145517_?)del

Gene: CLPB (ClpB family mitochondrial disaggregase; minus strand). Cytogenetic location: 11q13.4.
Variant type: Deletion.
Identifiers: ClinVar variation 2426950 (VCV002426950.7).

ClinVar aggregate classification (germline): Pathogenic (1 of 4 stars; one submission).

Conditions:
3-methylglutaconic aciduria, type VIIB (MGCA7B). Also called: 3-methylglutaconic aciduria with cataracts, neurologic involvement and neutropenia; CLPB Deficiency; 3-methylglutaconic aciduria, type VII, with cataracts, neurologic involvement and neutropenia. Identifiers: Orphanet 445038, MedGen C5676893, MONDO:0014561, OMIM 616271.

Submission:

Labcorp Genetics (formerly Invitae), Labcorp
Classification: Pathogenic for 3-methylglutaconic aciduria, type VIIB. Last evaluated: 2022-01-18. Review status: criteria provided, single submitter. Criteria: Invitae Variant Classification Sherloc (09022015). Collection method: clinical testing. Allele origin: germline.
Comment: For these reasons, this variant has been classified as Pathogenic. This variant has not been reported in the literature in individuals affected with CLPB-related conditions. This variant results in the deletion of part of exon 1 of the CLPB gene. It is expected to result in an absent or disrupted protein product. Loss-of-function variants in CLPB are known to be pathogenic (PMID: 25597510, 28687938).

Literature cited by the submitters: PubMed 25597510; PubMed 28687938.